The following is an entry in ClinVar:

NM_001370259.2(MEN1):c.1136C>T (p.Ala379Val)

Gene: MEN1 (menin 1; minus strand). Cytogenetic location: 11q13.1.
Variant type: single nucleotide variant.
Coding change: c.1136C>T on transcript NM_001370259.2 (MANE Select); coding-DNA position 1136, C replaced by T.
Protein change: p.Ala379Val; replaces alanine 379 with valine.
Molecular consequence: missense variant.
Genome position (GRCh38, 1-based): chr11:64,805,684, G>A on the plus strand (C>T on the coding strand, the complement: MEN1 is on the minus strand). VCF-style: chr11-64805684-G-A. GRCh37 (hg19) VCF-style: chr11-64573156-G-A.
Other names: c.1151C>T, p.Ala384Val (NM_000244.4, NM_001407145.1, NM_130800.3 and 4 more transcripts); c.1262C>T, p.Ala421Val (NM_001370251.2, NM_001407142.1, NM_001407143.1 and 1 more transcripts); c.1136C>T, p.Ala379Val (NM_001370260.2, NM_001370261.2, NM_001407146.1 and 3 more transcripts); c.1031C>T, p.Ala344Val (NM_001370262.2, NM_001370263.2, NM_001407148.1 and 1 more transcripts); c.1277C>T, p.Ala426Val (NM_001407150.1); c.1157C>T, p.Ala386Val (NM_001407151.1); short protein forms A344V, A421V, A426V, A384V, A379V, A386V.
Identifiers: ClinVar variation 1729783 (VCV001729783.3), dbSNP rs1592640172, ClinGen allele CA381182360.

ClinVar aggregate classification (germline): Uncertain significance (1 of 4 stars; one submission).

Conditions:
Hereditary cancer-predisposing syndrome. Also called: Neoplastic Syndromes, Hereditary; Tumor predisposition; Hereditary Cancer Syndrome; Hereditary neoplastic syndrome. Identifiers: Orphanet 140162, MedGen C0027672, MeSH D009386, MONDO:0015356.

Submission:

Ambry Genetics
Classification: Uncertain significance for Hereditary cancer-predisposing syndrome. Last evaluated: 2024-04-11. Review status: criteria provided, single submitter. Criteria: Ambry Variant Classification Scheme 2023. Collection method: clinical testing. Allele origin: germline.
Comment: The p.A379V variant (also known as c.1136C>T), located in coding exon 7 of the MEN1 gene, results from a C to T substitution at nucleotide position 1136. The alanine at codon 379 is replaced by valine, an amino acid with similar properties. This amino acid position is not well conserved in available vertebrate species. In addition, the in silico prediction for this alteration is inconclusive. Based on the available evidence, the clinical significance of this variant remains unclear.